The following is an entry in ClinVar:

NM_000346.4(SOX9):c.507_508delinsTA (p.Pro170Thr)

Gene: SOX9 (SRY-box transcription factor 9; plus strand). Cytogenetic location: 17q24.3.
Variant type: Indel.
Coding change: c.507_508delinsTA on transcript NM_000346.4 (MANE Select); coding-DNA positions 507 to 508, CC replaced by TA.
Protein change: p.Pro170Thr; replaces proline 170 with threonine.
Molecular consequence: missense variant.
Genome position (GRCh38, 1-based): chr17:72,122,794-72,122,795, CC replaced by TA. VCF-style: chr17-72122794-CC-TA. GRCh37 (hg19) VCF-style: chr17-70118935-CC-TA.
Other names: short protein forms P170T.
Identifiers: ClinVar variation 2837925 (VCV002837925.3), dbSNP rs2509624560, ClinGen allele CA2739268447.

ClinVar aggregate classification (germline): Likely pathogenic (1 of 4 stars; one submission).

Conditions:
Camptomelic dysplasia (CMPD). Also called: Campomelic Dysplasia; CMPD1/SRA1. Identifiers: Orphanet 140, MedGen C1861922, MONDO:0007251, OMIM 114290.

Submission:

Labcorp Genetics (formerly Invitae), Labcorp
Classification: Likely pathogenic for Camptomelic dysplasia. Last evaluated: 2023-02-16. Review status: criteria provided, single submitter. Criteria: Invitae Variant Classification Sherloc (09022015). Collection method: clinical testing. Allele origin: germline.
Comment: A different variant (c.508C>A) giving rise to the same protein effect has been determined to be pathogenic (Invitae). This suggests that this variant is also likely to be causative of disease. This sequence change replaces proline, which is neutral and non-polar, with threonine, which is neutral and polar, at codon 170 of the SOX9 protein (p.Pro170Thr). Information on the frequency of this variant in the gnomAD database is not available, as this variant may be reported differently in the database. Experimental studies and prediction algorithms are not available or were not evaluated, and the functional significance of this variant is currently unknown. In summary, the currently available evidence indicates that the variant is pathogenic, but additional data are needed to prove that conclusively. Therefore, this variant has been classified as Likely Pathogenic.